The following is an entry in ClinVar:

ClinVar aggregate classification (germline): Pathogenic (1 of 4 stars; one submission).

Conditions:
Hereditary cancer-predisposing syndrome. Also called: Neoplastic Syndromes, Hereditary; Tumor predisposition; Hereditary neoplastic syndrome; Hereditary Cancer Syndrome. Identifiers: Orphanet 140162, MedGen C0027672, MeSH D009386, MONDO:0015356.

Submission:

Ambry Genetics
Classification: Pathogenic for Hereditary cancer-predisposing syndrome. Last evaluated: 2023-01-26. Review status: criteria provided, single submitter. Criteria: Ambry Variant Classification Scheme 2023. Collection method: clinical testing. Allele origin: germline.
Comment: The p.Q386* pathogenic mutation (also known as c.1156C>T), located in coding exon 12 of the MUTYH gene, results from a C to T substitution at nucleotide position 1156. This changes the amino acid from a glutamine to a stop codon within coding exon 12. This variant is considered to be rare based on population cohorts in the Genome Aggregation Database (gnomAD). This alteration is expected to result in loss of function by premature protein truncation or nonsense-mediated mRNA decay. As such, this alteration is interpreted as a disease-causing mutation.

NM_001048174.2(MUTYH):c.1072C>T (p.Gln358Ter)

Gene: MUTYH (mutY DNA glycosylase; minus strand). Cytogenetic location: 1p34.1.
Variant type: single nucleotide variant.
Coding change: c.1072C>T on transcript NM_001048174.2 (MANE Select); coding-DNA position 1072, C replaced by T.
Protein change: p.Gln358Ter; replaces glutamine 358 with a stop codon.
Molecular consequence: nonsense. On other transcripts: non-coding transcript variant (7).
Genome position (GRCh38, 1-based): chr1:45,331,691, G>A on the plus strand (C>T on the coding strand, the complement: MUTYH is on the minus strand). VCF-style: chr1-45331691-G-A. GRCh37 (hg19) VCF-style: chr1-45797363-G-A.
Other names: c.1072C>T, p.Gln358Ter (NM_001048171.2, NM_001048173.2, NM_001293195.2 and 6 more transcripts); c.1075C>T, p.Gln359Ter (NM_001048172.2, NM_001407071.1, NM_001407078.1 and 1 more transcripts); c.1156C>T, p.Gln386Ter (NM_001128425.2); c.1117C>T, p.Gln373Ter (NM_001293190.2); c.1105C>T, p.Gln369Ter (NM_001293191.2, NM_001407069.1, NM_001407077.1); c.796C>T, p.Gln266Ter (NM_001293192.2, NM_001293196.2, NM_001407091.1); c.727C>T, p.Gln243Ter (NM_001350650.2, NM_001350651.2, NM_001407082.1); c.988C>T, p.Gln330Ter (NM_001407075.1); and 5 more; short protein forms Q330*, Q345*, Q359*, Q365*, Q369*, Q373*, Q243*, Q266*.
Identifiers: ClinVar variation 2453360 (VCV002453360.2), dbSNP rs878854183, ClinGen allele CA340133362.
Genomic context (GRCh38, chr1:45,331,691, plus strand): 5'-CACTGCCCTCCACGCCCAGTATCCAGGTACCTGAGTTGGGCCTCTGCACCAGCAGAATTT[G>A]GGCCCCAAGGGCCCCAGGCTGTTCCAGAACACAGGTGGCAGAGCTCTCCTCCCTGGGGGG-3'